The following is an entry in ClinVar:

NM_017780.4(CHD7):c.8868C>T (p.Ser2956=)

Gene: CHD7 (chromodomain helicase DNA binding protein 7; plus strand). Cytogenetic location: 8q12.2.
Variant type: single nucleotide variant.
Coding change: c.8868C>T on transcript NM_017780.4 (MANE Select); coding-DNA position 8868, C replaced by T.
Protein change: p.Ser2956=; no amino-acid change (serine 2956 retained).
Molecular consequence: synonymous variant.
Genome position (GRCh38, 1-based): chr8:60,865,807, C>T. VCF-style: chr8-60865807-C-T. GRCh37 (hg19) VCF-style: chr8-61778366-C-T.
Other names: c.2721C>T, p.Ser907= (NM_001316690.1); c.8868C>T (NM_017780.3).
Identifiers: ClinVar variation 1573005 (VCV001573005.9), dbSNP rs575284775, ClinGen allele CA4761084.

ClinVar aggregate classification (germline): Likely benign. Review status: criteria provided, multiple submitters, no conflicts (2 of 4 stars). 2 submissions from 2 submitters: Likely benign (2). Last evaluated 2025-07-27.

Conditions:
CHD7-related disorder. Also called: CHD7-related condition.
CHARGE syndrome (CHARGE). Also called: Coloboma, heart anomaly, choanal atresia, retardation, genital and ear anomalies; CHARGE association; Hall-Hittner syndrome; Hittner Hirsch Kreh syndrome; CHARGE ASSOCIATION--COLOBOMA, HEART ANOMALY, CHOANAL ATRESIA, RETARDATION, GENITAL AND EAR ANOMALIES. Identifiers: Orphanet 138, MedGen C0265354, MONDO:0008965.

Allele frequency attached by ClinVar (database versions not stated): gnomAD 0.00001 and 0.00002; TOPMed 0.00002; gnomAD exomes 0.00003 and 0.00005; ExAC 0.00004; 1000 Genomes Project 30x 0.00031; 1000 Genomes Project 0.00040.
gnomAD v4.1: 41 of 1,613,898 alleles (0.0025%); highest among the groups gnomAD compares: East Asian, 0.02%; no homozygotes.

Submissions (2):

Labcorp Genetics (formerly Invitae), Labcorp
Classification: Likely benign for CHARGE syndrome. Last evaluated: 2025-07-27. Review status: criteria provided, single submitter. Criteria: Invitae Variant Classification Sherloc (09022015). Collection method: clinical testing. Allele origin: germline.

PreventionGenetics, part of Exact Sciences
Classification: Likely benign for CHD7-related condition. Last evaluated: 2024-12-20. Review status: criteria provided, single submitter. Criteria: ACMG Guidelines, 2015. Collection method: clinical testing. Allele origin: germline.
Comment: This variant is classified as likely benign based on ACMG/AMP sequence variant interpretation guidelines (Richards et al. 2015 PMID: 25741868, with internal and published modifications).